The following is an entry in ClinVar:

NM_005475.3(SH2B3):c.724C>T (p.Pro242Ser)

Gene: SH2B3 (SH2B adaptor protein 3; plus strand). Cytogenetic location: 12q24.12.
Variant type: single nucleotide variant.
Coding change: c.724C>T on transcript NM_005475.3 (MANE Select); coding-DNA position 724, C replaced by T.
Protein change: p.Pro242Ser; replaces proline 242 with serine.
Molecular consequence: missense variant.
Genome position (GRCh38, 1-based): chr12:111,418,869, C>T. VCF-style: chr12-111418869-C-T. GRCh37 (hg19) VCF-style: chr12-111856673-C-T.
Other names: short protein forms P242S.
Identifiers: ClinVar variation 3766887 (VCV003766887.2).
Genomic context (GRCh38, chr12:111,418,869, plus strand): 5'-CTGGCGCTGCGCCGGGCCCCGGGCCCCGATGGCCCCGACCGCGTGCTGGAGCTCTTCGAC[C>T]CACCCAAGGTAAGTAAGCCCTGCCCGCGGGGTTGCGCACTGCACTGCGCCCTTCGCCTTC-3'
Protein context (NP_005466.1, residues 232-252): GPDRVLELFD[Pro242Ser]PKSSRPKLQA

ClinVar aggregate classification (germline): Likely benign. Review status: criteria provided, multiple submitters, no conflicts (2 of 4 stars). 2 submissions from 2 submitters: Likely benign (2). Last evaluated 2026-09-16.

Conditions:
Myeloproliferative neoplasm. Identifiers: Orphanet 98274, MedGen C1292778, MONDO:0020076.

gnomAD v4.1: 1,496 of 1,410,322 alleles (0.11%); highest among the groups gnomAD compares: East Asian, 4.2%; 24 homozygotes.

Submissions (2):

Dept of Medical Biology, Uskudar University
Classification: Likely benign for Myeloproliferative neoplasm. Last evaluated: 2026-09-16. Review status: criteria provided, single submitter. Criteria: Dept of Medical Biology Variant Classification. Collection method: research. Allele origin: germline. Affected: yes. Observed: 1 variant allele.
Comment: BS1: allele frequency 4.0e-02 in the East Asian population and 9.5e-04 overall in gnomAD v4.1. BP6: classified as likely benign in ClinVar (VCV003766887). The classification remains likely benign without BP6 under the point-based framework. BS1 was applied at full strength where the gnomAD v4.1 grpmax filtering allele frequency exceeds 2.5e-04 (PMID:28518168) and at supporting strength where only the unfiltered population frequency does. Classified as likely benign under the ACMG/AMP 2015 guidelines (PMID:25741868). Detected in a retrospective series of 256 BCR::ABL1-negative and JAK2 V617F-negative patients referred for molecular investigation of a suspected myeloproliferative neoplasm (May 2007 to January 2015) and re-interpreted under the ACMG/AMP 2015 criteria.

ARUP Laboratories, Molecular Genetics and Genomics, ARUP Laboratories
Classification: Likely benign. Last evaluated: 2024-10-11. Review status: criteria provided, single submitter. Criteria: ARUP Molecular Germline Variant Investigation Process 2024. Collection method: clinical testing. Allele origin: germline.